The following is an entry in ClinVar:

NM_006440.5(TXNRD2):c.597A>G (p.Glu199=)

Gene: TXNRD2 (thioredoxin reductase 2; minus strand). Cytogenetic location: 22q11.21.
Variant type: single nucleotide variant.
Coding change: c.597A>G on transcript NM_006440.5 (MANE Select); coding-DNA position 597, A replaced by G.
Protein change: p.Glu199=; no amino-acid change (glutamic acid 199 retained).
Molecular consequence: synonymous variant. On other transcripts: non-coding transcript variant (1).
Genome position (GRCh38, 1-based): chr22:19,911,442, T>C on the plus strand (A>G on the coding strand, the complement: TXNRD2 is on the minus strand). VCF-style: chr22-19911442-T-C. GRCh37 (hg19) VCF-style: chr22-19898965-T-C.
Other names: c.597A>G, p.Glu199= (NM_001282512.3); c.594A>G, p.Glu198= (NM_001352300.2); c.507A>G, p.Glu169= (NM_001352301.2); c.309A>G, p.Glu103= (NM_001352302.2); c.501A>G, p.Glu167= (NM_001352303.2).
Identifiers: ClinVar variation 3048178 (VCV003048178.3), dbSNP rs2517370145, ClinGen allele CA513368144.
Genomic context (GRCh38, chr22:19,911,442, plus strand): 5'-TCCAGGGGATTCCTTCAGCCAGAAGATGTCATCACTTGTGATTCCATATTCCAAGGCACC[T>C]TCGATCTGTCAAGACAGAAATGACCCCTTGGACAAGAGCTCCATTTGGCCTGTCCTAGGG-3'
Protein context (NP_006431.2, residues 189-209): GGRPRYPTHI[Glu199=]GALEYGITSD

ClinVar aggregate classification (germline): Likely benign. Review status: criteria provided, single submitter (1 of 4 stars). 2 submissions from 2 submitters: Likely benign (1). 1 of the submissions does not count toward it. Last evaluated 2025-12-14.

Conditions:
TXNRD2-related disorder. Also called: TXNRD2-related condition.
Primary dilated cardiomyopathy (DCM). Also called: Dilated Cardiomyopathy. Identifiers: Orphanet 217604, MedGen C0007193, MeSH D002311, MONDO:0005021, HP:0001644. Inheritance: Various modes of inheritance.

Submissions (2):

Labcorp Genetics (formerly Invitae), Labcorp
Classification: Likely benign for Primary dilated cardiomyopathy. Last evaluated: 2025-12-14. Review status: criteria provided, single submitter. Criteria: Invitae Variant Classification Sherloc (09022015). Collection method: clinical testing. Allele origin: germline.

PreventionGenetics, part of Exact Sciences
Classification: Likely benign for TXNRD2-related condition. Last evaluated: 2023-05-21. Review status: no assertion criteria provided. Collection method: clinical testing. Allele origin: germline. Not counted in ClinVar's aggregate classification.
Comment: This variant is classified as likely benign based on ACMG/AMP sequence variant interpretation guidelines (Richards et al. 2015 PMID: 25741868, with internal and published modifications).